The following is an entry in ClinVar:

NM_003361.4(UMOD):c.307G>T (p.Gly103Cys)

Gene: UMOD (uromodulin; minus strand). Cytogenetic location: 16p12.3.
Variant type: single nucleotide variant.
Coding change: c.307G>T on transcript NM_003361.4 (MANE Select); coding-DNA position 307, G replaced by T.
Protein change: p.Gly103Cys; replaces glycine 103 with cysteine.
Molecular consequence: missense variant. On other transcripts: non-coding transcript variant (1).
Genome position (GRCh38, 1-based): chr16:20,348,994, C>A on the plus strand (G>T on the coding strand, the complement: UMOD is on the minus strand). VCF-style: chr16-20348994-C-A. GRCh37 (hg19) VCF-style: chr16-20360316-C-A.
Other names: c.307G>T, p.Gly103Cys (NM_001008389.3, NM_001378232.1, NM_001378233.1 and 3 more transcripts); c.406G>T, p.Gly136Cys (NM_001278614.2); c.307G>T (NM_003361.3); short protein forms G103C, G136C.
Identifiers: ClinVar variation 12257 (VCV000012257.6), dbSNP rs28934584, ClinGen allele CA256242.

ClinVar aggregate classification (germline): Likely pathogenic. Review status: criteria provided, single submitter (1 of 4 stars). 2 submissions from 2 submitters: Likely pathogenic (1). 1 of the submissions does not count toward it. Last evaluated 2023-01-29.

Conditions:
UMOD-related disorder. Also called: UMOD-related condition.
Familial juvenile hyperuricemic nephropathy type 1 (ADTKD1). Also called: UMOD-Associated Kidney Disease; Uromodulin-associated kidney disease; Autosomal Dominant Tubulointerstitial Kidney Disease – UMOD; Glomerulocystic kidney disease with hyperuricemia and isosthenuria; Medullary cystic kidney disease 2. Identifiers: Orphanet 209886, Orphanet 34149, Orphanet 88950, MedGen C4551496, MONDO:0008073, OMIM 162000.

Submissions (2):

PreventionGenetics, part of Exact Sciences
Classification: Likely pathogenic for UMOD-related condition. Last evaluated: 2023-01-29. Review status: criteria provided, single submitter. Criteria: ACMG Guidelines, 2015. Collection method: clinical testing. Allele origin: germline.
Comment: The UMOD c.307G>T variant is predicted to result in the amino acid substitution p.Gly103Cys. This variant was reported to segregate with medullary cystic kidney disease 2 in three affected and five unaffected individuals from a single family (Family 3, Hart et al 2002. PubMed ID: 12471200), and has also been reported in one unrelated individual with autosomal dominant tubulointerstitial kidney disease (Table S1, Olinger et al. 2020. PubMed ID: 32450155). This variant has not been reported in a large population database, indicating this variant is rare. This variant is interpreted as likely pathogenic.

OMIM
Classification: Pathogenic for TUBULOINTERSTITIAL KIDNEY DISEASE, AUTOSOMAL DOMINANT 1. Last evaluated: 2002-12-01. Review status: no assertion criteria provided. Collection method: literature only. Allele origin: germline. Not counted in ClinVar's aggregate classification.

Literature cited by the submitters: PubMed 12471200 (cited by OMIM).